The following is an entry in ClinVar:

ClinVar aggregate classification (germline): Uncertain significance (1 of 4 stars; one submission).

Submission:

Women's Health and Genetics/Laboratory Corporation of America, LabCorp
Classification: Uncertain significance. Last evaluated: 2023-02-16. Review status: criteria provided, single submitter. Criteria: LabCorp Variant Classification Summary - May 2015. Collection method: clinical testing. Allele origin: germline.
Comment: Variant summary: HUWE1 c.4310A>T (p.His1437Leu) results in a non-conservative amino acid change in the encoded protein sequence. Three of five in-silico tools predict a damaging effect of the variant on protein function. The variant was absent in 183404 control chromosomes. The available data on variant occurrences in the general population are insufficient to allow any conclusion about variant significance. To our knowledge, no occurrence of c.4310A>T in individuals affected with Intellectual Disability, X-Linked Syndromic, Turner Type and no experimental evidence demonstrating its impact on protein function have been reported. No clinical diagnostic laboratories have submitted clinical-significance assessments for this variant to ClinVar after 2014. Based on the evidence outlined above, the variant was classified as uncertain significance.

NM_031407.7(HUWE1):c.4310A>T (p.His1437Leu)

Gene: HUWE1 (HECT, UBA and WWE domain containing E3 ubiquitin protein ligase 1; minus strand). Cytogenetic location: Xp11.22.
Variant type: single nucleotide variant.
Coding change: c.4310A>T on transcript NM_031407.7 (MANE Select); coding-DNA position 4310, A replaced by T.
Protein change: p.His1437Leu; replaces histidine 1437 with leucine.
Molecular consequence: missense variant.
Genome position (GRCh38, 1-based): chrX:53,589,698, T>A on the plus strand (A>T on the coding strand, the complement: HUWE1 is on the minus strand). VCF-style: chrX-53589698-T-A. GRCh37 (hg19) VCF-style: chrX-53616658-T-A.
Other names: c.4310A>T (NM_031407.6); short protein forms H1437L.
Identifiers: ClinVar variation 2445884 (VCV002445884.1), dbSNP rs2525909339, ClinGen allele CA413176606.